The following is an entry in ClinVar:

NM_000090.4(COL3A1):c.2546G>C (p.Gly849Ala)

Gene: COL3A1 (collagen type III alpha 1 chain; plus strand). Cytogenetic location: 2q32.2.
Variant type: single nucleotide variant.
Coding change: c.2546G>C on transcript NM_000090.4 (MANE Select); coding-DNA position 2546, G replaced by C.
Protein change: p.Gly849Ala; replaces glycine 849 with alanine.
Molecular consequence: missense variant.
Genome position (GRCh38, 1-based): chr2:189,003,055, G>C. VCF-style: chr2-189003055-G-C. GRCh37 (hg19) VCF-style: chr2-189867781-G-C.
Other names: short protein forms G849A.
Identifiers: ClinVar variation 3634100 (VCV003634100.2).

ClinVar aggregate classification (germline): Likely pathogenic (1 of 4 stars; one submission).

Conditions:
Ehlers-Danlos syndrome, type 4 (EDSVASC). Also called: Ehlers-Danlos syndrome vascular type; Ehlers Danlos syndrome, ecchymotic type; Ehlers Danlos syndrome, arterial type; Ehlers Danlos syndrome, Sack-Barabas type; Ehlers-Danlos Syndrome Type IV. Identifiers: Orphanet 286, MedGen C0268338, MONDO:0017314, OMIM 130050.

Submission:

Labcorp Genetics (formerly Invitae), Labcorp
Classification: Likely pathogenic for Ehlers-Danlos syndrome, type 4. Last evaluated: 2024-09-03. Review status: criteria provided, single submitter. Criteria: Invitae Variant Classification Sherloc (09022015). Collection method: clinical testing. Allele origin: germline.
Comment: This sequence change replaces glycine, which is neutral and non-polar, with alanine, which is neutral and non-polar, at codon 849 of the COL3A1 protein (p.Gly849Ala). This variant is not present in population databases (gnomAD no frequency). This variant has not been reported in the literature in individuals affected with COL3A1-related conditions. Invitae Evidence Modeling of protein sequence and biophysical properties (such as structural, functional, and spatial information, amino acid conservation, physicochemical variation, residue mobility, and thermodynamic stability) indicates that this missense variant is expected to disrupt COL3A1 protein function with a positive predictive value of 95%. This variant disrupts the triple helix domain of COL3A1. Glycine residues within the Gly-Xaa-Yaa repeats of the triple helix domain are required for the structure and stability of fibrillar collagens (PMID: 7695699, 8218237, 19344236). In COL3A1, variants that affect these glycine residues are significantly enriched in individuals with disease (PMID: 24922459, 25758994) compared to the general population (ExAC). In summary, the currently available evidence indicates that the variant is pathogenic, but additional data are needed to prove that conclusively. Therefore, this variant has been classified as Likely Pathogenic.

Literature cited by the submitters: PubMed 7695699; PubMed 8218237; PubMed 19344236; PubMed 24922459; PubMed 25758994.